The following is an entry in ClinVar:

NM_000352.6(ABCC8):c.1189A>C (p.Asn397His)

Gene: ABCC8 (ATP binding cassette subfamily C member 8; minus strand). Cytogenetic location: 11p15.1.
Variant type: single nucleotide variant.
Coding change: c.1189A>C on transcript NM_000352.6 (MANE Select); coding-DNA position 1189, A replaced by C.
Protein change: p.Asn397His; replaces asparagine 397 with histidine.
Molecular consequence: missense variant. On other transcripts: non-coding transcript variant (1).
Genome position (GRCh38, 1-based): chr11:17,448,659, T>G on the plus strand (A>C on the coding strand, the complement: ABCC8 is on the minus strand). VCF-style: chr11-17448659-T-G. GRCh37 (hg19) VCF-style: chr11-17470206-T-G.
Other names: c.1189A>C, p.Asn397His (NM_001287174.3, NM_001351295.2); c.1186A>C, p.Asn396His (NM_001351296.2, NM_001351297.2); short protein forms N396H, N397H.
Identifiers: ClinVar variation 1336020 (VCV001336020.14), dbSNP rs199763382, ClinGen allele CA5903646.

ClinVar aggregate classification (germline): Conflicting classifications of pathogenicity. Review status: criteria provided, conflicting classifications (1 of 4 stars). 4 submissions from 4 submitters: Uncertain significance (3); Likely benign (1). Last evaluated 2025-12-26.

Conditions:
Hyperinsulinemic hypoglycemia, familial, 1 (HHF1). Also called: Persistent hyperinsulinemic hypoglycemia of infancy; Persistent Hyperinsulinemia Hypoglycemia of Infancy; HYPERINSULINISM, FAMILIAL, WITH PANCREATIC NESIDIOBLASTOSIS; HYPOGLYCEMIA, HYPERINSULINEMIC, OF INFANCY; NESIDIOBLASTOSIS OF PANCREAS. Identifiers: Orphanet 276575, Orphanet 276598, MedGen C2931832, MONDO:0009734, OMIM 256450.
Leucine-induced hypoglycemia (LIH). Also called: LEUCINE-SENSITIVE HYPOGLYCEMIA OF INFANCY. Identifiers: MedGen C0271714, MONDO:0009415, OMIM 240800.
Type 2 diabetes mellitus. Also called: Type II diabetes mellitus. Identifiers: MedGen C0011860, MeSH D003924, MONDO:0005148, OMIM 125853, HP:0005978.
Diabetes mellitus, transient neonatal, 2 (TNDM2). Identifiers: Orphanet 99886, MedGen C1835887, MONDO:0012480, OMIM 610374. Disease mechanism: loss of function.
Diabetes mellitus, permanent neonatal 3. Also called: ABCC8-Related Permanent Neonatal Diabetes Mellitus. Identifiers: MedGen C5394303, MONDO:0030088, OMIM 618857.

Allele frequency attached by ClinVar (database versions not stated): gnomAD exomes 0.00002 and 0.00008; ExAC 0.00003; gnomAD 0.00009 and 0.00011; 1000 Genomes Project 0.00060; 1000 Genomes Project 30x 0.00062.
gnomAD v4.1: 42 of 1,614,184 alleles (0.0026%); highest among the groups gnomAD compares: Admixed American, 0.07%; no homozygotes.

Submissions (4):

Labcorp Genetics (formerly Invitae), Labcorp
Classification: Likely benign. Last evaluated: 2025-12-26. Review status: criteria provided, single submitter. Criteria: Invitae Variant Classification Sherloc (09022015). Collection method: clinical testing. Allele origin: germline.

GeneDx
Classification: Uncertain significance. Last evaluated: 2025-05-21. Review status: criteria provided, single submitter. Criteria: GeneDx Variant Classification Process June 2021. Collection method: clinical testing. Allele origin: germline. Affected: yes.
Comment: In silico analysis suggests that this missense variant does not alter protein structure/function; Has not been previously published as pathogenic or benign to our knowledge

Fulgent Genetics
Classification: Uncertain significance for Type 2 diabetes mellitus; Leucine-induced hypoglycemia; Hyperinsulinemic hypoglycemia, familial, 1; Diabetes mellitus, transient neonatal, 2; Diabetes mellitus, permanent neonatal 3. Last evaluated: 2024-06-03. Review status: criteria provided, single submitter. Criteria: ACMG Guidelines, 2015. Collection method: clinical testing. Allele origin: germline.

Genetic Services Laboratory, University of Chicago
Classification: Uncertain significance. Last evaluated: 2019-08-02. Review status: criteria provided, single submitter. Criteria: ACMG Guidelines, 2015. Collection method: clinical testing. Allele origin: germline. Affected: no.